The following is an entry in ClinVar:

NM_000368.5(TSC1):c.968C>T (p.Pro323Leu)

Gene: TSC1 (TSC complex subunit 1; minus strand). Cytogenetic location: 9q34.13.
Variant type: single nucleotide variant.
Coding change: c.968C>T on transcript NM_000368.5 (MANE Select); coding-DNA position 968, C replaced by T.
Protein change: p.Pro323Leu; replaces proline 323 with leucine.
Molecular consequence: missense variant.
Genome position (GRCh38, 1-based): chr9:132,911,514, G>A on the plus strand (C>T on the coding strand, the complement: TSC1 is on the minus strand). VCF-style: chr9-132911514-G-A. GRCh37 (hg19) VCF-style: chr9-135786901-G-A.
Other names: c.968C>T, p.Pro323Leu (NM_001162426.2); c.815C>T, p.Pro272Leu (NM_001162427.2); c.605C>T, p.Pro202Leu (NM_001362177.2); short protein forms P202L, P272L, P323L.
Identifiers: ClinVar variation 823399 (VCV000823399.4), dbSNP rs1588324535, ClinGen allele CA375368653.
Genomic context (GRCh38, chr9:132,911,514, plus strand): 5'-TGTGGTGGTTCAGTTATCAGCCGTGTCGATGGGGAACTCAGAGTCTGAGGTAGCTGCCCT[G>A]GCATATTTAACAACATCAGCCGAGACGTGGAGTAAGGGGTAGAAGTAGCACACCCTAAAA-3'
Protein context (NP_000359.1, residues 313-333): STSRLMLLNM[Pro323Leu]GQLPQTLSSP

ClinVar aggregate classification (germline): Uncertain significance (1 of 4 stars; one submission).

Conditions:
Hereditary cancer-predisposing syndrome. Also called: Tumor predisposition; Hereditary Cancer Syndrome; Neoplastic Syndromes, Hereditary; Hereditary neoplastic syndrome. Identifiers: Orphanet 140162, MedGen C0027672, MeSH D009386, MONDO:0015356.

Submission:

Ambry Genetics
Classification: Uncertain significance for Hereditary cancer-predisposing syndrome. Last evaluated: 2019-12-10. Review status: criteria provided, single submitter. Criteria: Ambry Variant Classification Scheme 2023. Collection method: clinical testing. Allele origin: germline.
Comment: The p.P323L variant (also known as c.968C>T), located in coding exon 8 of the TSC1 gene, results from a C to T substitution at nucleotide position 968. The proline at codon 323 is replaced by leucine, an amino acid with similar properties. This amino acid position is well conserved in available vertebrate species. In addition, this alteration is predicted to be deleterious by in silico analysis. Since supporting evidence is limited at this time, the clinical significance of this alteration remains unclear.